The following is an entry in ClinVar:

NM_001329943.3(KIAA0586):c.2254+1G>T

Gene: KIAA0586 (KIAA0586; plus strand). Cytogenetic location: 14q23.1.
Variant type: single nucleotide variant.
Coding change: c.2254+1G>T on transcript NM_001329943.3 (MANE Select); the canonical splice donor site of the intron after coding-DNA position 2254, G replaced by T.
Molecular consequence: splice donor variant.
Genome position (GRCh38, 1-based): chr14:58,466,030, G>T. VCF-style: chr14-58466030-G-T. GRCh37 (hg19) VCF-style: chr14-58932748-G-T.
Other names: c.2413+1G>T (NM_001244189.2); c.2209+1G>T (NM_001244190.2); c.2122+1G>T (NM_001244192.2); c.1999+1G>T (NM_001244191.2, NM_001364701.2, NM_001329945.2 and 1 more transcripts); c.2254+1G>T (NM_001329944.2, NM_001329946.2, NM_001329947.2); c.2026+1G>T (NM_014749.5); c.1834+1G>T (NM_001244193.2).
Identifiers: ClinVar variation 2938506 (VCV002938506.3), dbSNP rs907814338, ClinGen allele CA261631560.
Genomic context (GRCh38, chr14:58,466,030, plus strand): 5'-AAATGCCTACTTTTTCAGGTACATTGGAAGGTCATCTGATTCCTATGGCAATTCTTTTAG[G>T]TAAGAATCAACAAAATATGTGGGATGGATTTTATTTTATTTATTTATTTGTTTGTTTGTG-3'

ClinVar aggregate classification (germline): Likely pathogenic (1 of 4 stars; one submission).

Conditions:
Short-rib thoracic dysplasia 14 with polydactyly (SRTD14). Identifiers: Orphanet 397715, MedGen C4225286, MONDO:0014688, OMIM 616546.
Joubert syndrome 23 (JBTS23). Identifiers: Orphanet 475, MedGen C4084822, MONDO:0014664, OMIM 616490.

Allele frequency attached by ClinVar (database versions not stated): TOPMed 0.00001.
gnomAD v4.1: 2 of 1,579,886 alleles (0.00013%); highest among the groups gnomAD compares: African/African-American, 0.0027%; no homozygotes.

Submission:

Labcorp Genetics (formerly Invitae), Labcorp
Classification: Likely pathogenic for Joubert syndrome 23; Short-rib thoracic dysplasia 14 with polydactyly. Last evaluated: 2023-09-01. Review status: criteria provided, single submitter. Criteria: Invitae Variant Classification Sherloc (09022015). Collection method: clinical testing. Allele origin: germline.
Comment: In summary, the currently available evidence indicates that the variant is pathogenic, but additional data are needed to prove that conclusively. Therefore, this variant has been classified as Likely Pathogenic. Algorithms developed to predict the effect of sequence changes on RNA splicing suggest that this variant may disrupt the consensus splice site. This variant has not been reported in the literature in individuals affected with KIAA0586-related conditions. The frequency data for this variant in the population databases is considered unreliable, as metrics indicate poor data quality at this position in the gnomAD database. This sequence change affects a donor splice site in intron 17 of the KIAA0586 gene. It is expected to disrupt RNA splicing. Variants that disrupt the donor or acceptor splice site typically lead to a loss of protein function (PMID: 16199547), and loss-of-function variants in KIAA0586 are known to be pathogenic (PMID: 26096313, 26166481, 26386044).

Literature cited by the submitters: PubMed 16199547; PubMed 26096313; PubMed 26166481; PubMed 26386044.